The following is an entry in ClinVar:

NM_001458.5(FLNC):c.6753_6754dup (p.Ala2252fs)

Genes: FLNC (filamin C; plus strand), FLNC-AS1 (FLNC antisense RNA 1; minus strand). Cytogenetic location: 7q32.1.
Variant type: Duplication.
Coding change: c.6753_6754dup on transcript NM_001458.5 (MANE Select); coding-DNA positions 6753 to 6754, 2 bases duplicated (TG; older notation c.6753_6754dupTG).
Protein change: p.Ala2252fs; shifts the reading frame from alanine 2252.
Molecular consequence: frameshift variant.
Genome position (GRCh38, 1-based): chr7:128,854,438-128,854,439, TG duplicated. VCF-style (leftmost placement, unchanged base first): chr7-128854437-C-CTG. GRCh37 (hg19) VCF-style: chr7-128494491-C-CTG.
Other names: c.6654_6655dup, p.Ala2219fs (NM_001127487.2); short protein forms A2219fs, A2252fs.
Identifiers: ClinVar variation 2025611 (VCV002025611.4), dbSNP rs2536664747, ClinGen allele CA2580076520.

ClinVar aggregate classification (germline): Pathogenic (1 of 4 stars; one submission).

Conditions:
Myofibrillar myopathy 5. Also called: Filaminopathy (type); FILAMINOPATHY, AUTOSOMAL DOMINANT. Identifiers: Orphanet 171445, MedGen C1836050, MONDO:0012289, OMIM 609524.
Hypertrophic cardiomyopathy 26. Also called: Cardiomyopathy, familial hypertrophic, 26. Identifiers: Orphanet 75249, MedGen C4310749, MONDO:0014883, OMIM 617047.
Distal myopathy with posterior leg and anterior hand involvement. Also called: WILLIAMS DISTAL MYOPATHY. Identifiers: Orphanet 63273, MedGen C3279722, MONDO:0013550, OMIM 614065.

Submission:

Labcorp Genetics (formerly Invitae), Labcorp
Classification: Pathogenic for Distal myopathy with posterior leg and anterior hand involvement; Myofibrillar myopathy 5; Hypertrophic cardiomyopathy 26. Last evaluated: 2022-08-21. Review status: criteria provided, single submitter. Criteria: Invitae Variant Classification Sherloc (09022015). Collection method: clinical testing. Allele origin: germline.
Comment: For these reasons, this variant has been classified as Pathogenic. Algorithms developed to predict the effect of sequence changes on RNA splicing suggest that this variant may create or strengthen a splice site. This variant has not been reported in the literature in individuals affected with FLNC-related conditions. This variant is not present in population databases (gnomAD no frequency). This sequence change creates a premature translational stop signal (p.Ala2252Valfs*4) in the FLNC gene. It is expected to result in an absent or disrupted protein product. Loss-of-function variants in FLNC are known to be pathogenic (PMID: 27908349).

Literature cited by the submitters: PubMed 27908349.